The following is an entry in ClinVar:

NM_199420.4(POLQ):c.4071C>A (p.Ser1357Arg)

Gene: POLQ (DNA polymerase theta; minus strand). Cytogenetic location: 3q13.33.
Variant type: single nucleotide variant.
Coding change: c.4071C>A on transcript NM_199420.4 (MANE Select); coding-DNA position 4071, C replaced by A.
Protein change: p.Ser1357Arg; replaces serine 1357 with arginine.
Molecular consequence: missense variant.
Genome position (GRCh38, 1-based): chr3:121,488,860, G>T on the plus strand (C>A on the coding strand, the complement: POLQ is on the minus strand). VCF-style: chr3-121488860-G-T. GRCh37 (hg19) VCF-style: chr3-121207707-G-T.
Other names: short protein forms S1357R.
Identifiers: ClinVar variation 1737555 (VCV001737555.2), dbSNP rs2546786402, ClinGen allele CA354096284.

ClinVar aggregate classification (germline): Uncertain significance (1 of 4 stars; one submission).

Submission:

Ambry Genetics
Classification: Uncertain significance. Last evaluated: 2022-09-08. Review status: criteria provided, single submitter. Criteria: Ambry Variant Classification Scheme 2023. Collection method: clinical testing. Allele origin: germline.
Comment: The p.S1357R variant (also known as c.4071C>A), located in coding exon 16 of the POLQ gene, results from a C to A substitution at nucleotide position 4071. The serine at codon 1357 is replaced by arginine, an amino acid with dissimilar properties. This amino acid position is conserved. In addition, this alteration is predicted to be tolerated by in silico analysis. Since supporting evidence is limited at this time, the clinical significance of this alteration remains unclear.